The following continues an entry in ClinVar:

NM_032043.3(BRIP1):c.751C>T (p.Arg251Cys)

Gene: BRIP1. ClinVar aggregate classification (germline): Pathogenic/Likely pathogenic. Pathogenic (6); Likely pathogenic (15).

Submissions 7 to 23 of 23:

Molecular Diagnostics Laboratory, Catalan Institute of Oncology
Classification: Pathogenic for Hereditary cancer-predisposing syndrome. Last evaluated: 2025-05-07. Review status: criteria provided, single submitter. Criteria: ACMG Guidelines, 2015. Collection method: clinical testing. Allele origin: germline.
Comment: PS3, PM2_Supporting, PM3_Strong, PP3_Moderate c.751C>T, located in exon 7 of the BRIP1 gene, is predicted to result in the substitution of arginine by cysteine at codon 251, p.(Arg251Cys). This variant is found in 3/268020 alleles at a frequency of 0,001% in the gnomAD v2.1.1 database, non-cancer dataset (PM2_Supporting). The SpliceAI algorithm predicts no significant impact on splicing. The REVEL meta-predictor score for this variant (0.954) suggests a deleterious effect on protein function according to Pejaver 2022 thresholds (PMID: 36413997) (PP3_Moderate). Functional assays have demonstrated that this variant impairs DNA binding ability of BRIP1 and provokes failure to repair double-strand breaks after cisplatin-induced damage (PMID: 27107905) (PS3). This variant has been reported in multiple FA patients (homozygous or compound heterozygous with a pathogenic variant) (PMID: 27427815, PMID:�36894310, PMID: 23613520) (PM3_Strong). This variant has been reported in the ClinVar database (3x pathogenic, 11x likely pathogenic) and in the LOVD (1x pathogenic, 3x likely pathogenic, 1x uncertain significance). Based on currently available information, the variant cc.751C>T should be considered a pathogenic variant according to ACMG/AMP classification guidelines.

Hereditary Cancer Laboratory, Hospital Universitario 12 de Octubre
Classification: Likely pathogenic for Hereditary cancer-predisposing syndrome. Last evaluated: 2024-07-02. Review status: criteria provided, single submitter. Criteria: ACMG Guidelines, 2015. Collection method: clinical testing. Allele origin: germline.
Comment: PS3+PM2+PP3+PP5

Greenwood Genetic Center Diagnostic Laboratories, Greenwood Genetic Center
Classification: Likely pathogenic for Familial cancer of breast. Last evaluated: 2024-02-13. Review status: criteria provided, single submitter. Criteria: ACMG Guidelines, 2015. Collection method: clinical testing. Allele origin: germline.
Comment: PS3, PM1, PM2, PP3

Baylor Genetics
Classification: Pathogenic for Familial cancer of breast. Last evaluated: 2023-10-10. Review status: criteria provided, single submitter. Criteria: ACMG Guidelines, 2015. Collection method: clinical testing. Allele origin: unknown.

Department of Pathology and Laboratory Medicine, Sinai Health System
Classification: Likely pathogenic for familial ovarian cancer. Last evaluated: 2023-07-25. Review status: criteria provided, single submitter. Criteria: ACMG Guidelines, 2015. Collection method: clinical testing. Allele origin: germline. Affected: no.

Blueprint Genetics
Classification: Pathogenic for BRIP1-related disorders. Last evaluated: 2023-06-19. Review status: criteria provided, single submitter. Criteria: ACMG Guidelines, 2015. Collection method: clinical testing. Allele origin: germline. Affected: yes. Observed: 3 variant alleles.

GeneDx
Classification: Likely pathogenic. Last evaluated: 2023-06-06. Review status: criteria provided, single submitter. Criteria: GeneDx Variant Classification Process June 2021. Collection method: clinical testing. Allele origin: germline. Affected: yes.
Comment: Observed in the homozygous and compound heterozygous state in individuals with Fanconi anemia referred for genetic testing at GeneDx and in the published literature (Chandrasekharappa et al., 2013; Stevens et al., 2016; Bogliolo et al., 2020); Observed in individuals with breast cancer (Easton et al., 2016; Schrader et al., 2016); Published functional studies demonstrate a damaging effect: deficient in vitro complementation in a BRIP1 null cell line and reduced DNA binding (Guo et al., 2014); Not observed at significant frequency in large population cohorts (gnomAD); In silico analysis supports that this missense variant has a deleterious effect on protein structure/function; This variant is associated with the following publications: (PMID: 25374583, 31586946, 33028645, 23613520, 28235761, 27107905, 26596371, 26921362, 26556299, 27427815, 33137625, 31558676, 31214711, 24573678, 19763819, 22692731, 11301010, 33471991)

Myriad Genetics, Inc.
Classification: Likely pathogenic for Familial cancer of breast. Last evaluated: 2023-02-28. Review status: criteria provided, single submitter. Criteria: Myriad Autosomal Dominant, Autosomal Recessive and X-Linked Classification Criteria (2023). Collection method: clinical testing. Allele origin: unknown.
Comment: This variant is considered likely pathogenic. Functional studies indicate this variant impacts protein function [PMID: 24573678]. This variant has been reported in multiple individuals with clinical features of gene-specific disease [PMID: 23613520, 31586946].

Institute for Biomarker Research, Medical Diagnostic Laboratories, L.L.C.
Classification: Likely pathogenic for Hereditary cancer-predisposing syndrome. Last evaluated: 2023-02-22. Review status: criteria provided, single submitter. Criteria: ACMG Guidelines, 2015. Collection method: clinical testing. Allele origin: germline.

Quest Diagnostics Nichols Institute San Juan Capistrano
Classification: Likely pathogenic. Last evaluated: 2022-09-16. Review status: criteria provided, single submitter. Criteria: Quest Diagnostics criteria. Collection method: clinical testing. Allele origin: unknown.
Comment: The frequency of this variant in the general population, 0.000012 (3/251170 chromosomes), is uninformative in assessment of its pathogenicity. In the published literature, this variant has been reported in individuals with breast cancer (PMID: 26921362 (2016), 26556299 (2016)), Fanconi anemia (PMID: 31586946 (2020), 31558676 (2020), 27427815 (2016), 23613520 (2013)), and pancreatic cancer (PMID: 31214711 (2020)). In a large breast cancer association study, this variant was reported in individuals affected with breast cancer and in healthy controls (PMID: 33471991 (2021)). Functional studies reported this variant to be damaging to cell survival, DNA helicase activity, DNA binding, ATP hydrolysis activity and binding, as well as DNA repair functions (PMID: 27107905 (2016), 24573678 (2014)). Analysis of this variant using bioinformatics tools for the prediction of the effect of amino acid changes on protein structure and function yielded predictions that this variant is damaging. Based on the available information, this variant is classified as likely pathogenic.

Women's Health and Genetics/Laboratory Corporation of America, LabCorp
Classification: Pathogenic for Fanconi anemia complementation group J. Last evaluated: 2022-04-29. Review status: criteria provided, single submitter. Criteria: LabCorp Variant Classification Summary - May 2015. Collection method: clinical testing. Allele origin: germline.
Comment: Variant summary: BRIP1 c.751C>T (p.Arg251Cys) results in a non-conservative amino acid change located in the Helicase-like, DEXD box c2 type domain of the encoded protein sequence. Five of five in-silico tools predict a damaging effect of the variant on protein function. The variant allele was found at a frequency of 1.2e-05 in 251170 control chromosomes. c.751C>T has been reported in the literature in multiple individuals affected with Fanconi Anemia Complementation Group J in the homozygous and compound heterozygous state (Chandrasekharappa_2013, Stevens_2016, Steinberg-Shermer_2020, Bogliolo_2020) as well as in patients with breast cancer in the heterozygous state (e.g. Schrader_2016). These data indicate that the variant is very likely to be associated with disease. In functional studies, the variant was shown to abolish DNA helicase activity and DNAprotein displacement activity (Guo_2014). Six clinical diagnostic laboratories have submitted clinical-significance assessments for this variant to ClinVar after 2014 without evidence for independent evaluation. Five submitters classified the variant as likely pathogenic/pathogenic while one classified the variant as VUS. Based on the evidence outlined above, the variant was classified as pathogenic.

National Health Laboratory Service, Universitas Academic Hospital and University of the Free State
Classification: Likely pathogenic for Hereditary breast ovarian cancer syndrome. Last evaluated: 2022-04-19. Review status: criteria provided, single submitter. Criteria: ACMG Guidelines, 2015. Collection method: clinical testing. Allele origin: germline. Affected: yes. Observed: 1 variant allele.

Sema4
Classification: Likely pathogenic for Hereditary cancer-predisposing syndrome. Last evaluated: 2021-10-18. Review status: criteria provided, single submitter. Criteria: Sema4 Curation Guidelines. Collection method: curation. Allele origin: germline.
Comment: The BRIP1 c.751C>T (p.R251C) variant has been reported as compound heterozygous and homozygous in at least three families with Fanconi anemia (PMID: 23613520, 31558676, 27427815). It has been reported in heterozygosity in at least four individuals with breast cancer (PMID: 26556299, 26921362, 33471991). Functional studies have shown that this variant alters the cell survival, DNA helicase activity, DNA binding, and ATP hydrolysis binding and activity (PMID: 24573678). These data are supported by in silico tools, which predict the variant to be deleterious to protein function. It was observed in 3/251170 chromosomes in the Genome Aggregation Database (PMID: 32461654). The variant has been reported in ClinVar (Variation ID 185848). Based on the current evidence available, this variant is interpreted as likely pathogenic.

Revvity Omics, Revvity
Classification: Likely pathogenic for Fanconi anemia complementation group J. Last evaluated: 2019-04-19. Review status: criteria provided, single submitter. Criteria: ACMG Guidelines, 2015. Collection method: clinical testing. Allele origin: germline.

Genesis Genomics
Classification: Likely pathogenic for Familial cancer of breast. Review status: criteria provided, single submitter. Criteria: ACMG Guidelines, 2015. Collection method: clinical testing. Allele origin: germline. Affected: yes. Observed: 1 variant allele.

PreventionGenetics, part of Exact Sciences
Classification: Likely pathogenic for BRIP1-related condition. Last evaluated: 2024-05-09. Review status: no assertion criteria provided. Collection method: clinical testing. Allele origin: germline. Not counted in ClinVar's aggregate classification.
Comment: The BRIP1 c.751C>T variant is predicted to result in the amino acid substitution p.Arg251Cys. This variant was observed in an individual with early-onset breast cancer (Schrader et al. 2016. PubMed ID: 26556299, eTable S5 & S7). This variant has also been reported in trans with another missense variant and in the homozygous state in individuals with Fanconi anemia (Chandrasekharappa et al. 2013. PubMed ID: 23613520; Stevens et al. 2016. PubMed ID: 27427815; Bogliolo et al. 2019. PubMed ID: 31586946; Steinberg-Shemer et al. 2019. PubMed ID: 31558676). Functional in vitro assays showed that this variant leads to abolished DNA helicase activity and impairs DNA binding (Guo et al. 2016. PubMed ID: 27107905). This variant is reported in 0.0062% of alleles in individuals of African descent in gnomAD and is reported as pathogenic/likely pathogenic by the majority of entries in ClinVar. This variant is interpreted as likely pathogenic.

Counsyl
Classification: Uncertain significance for Fanconi anemia complementation group J; Ovarian cancer. Last evaluated: 2017-10-10. Review status: no assertion criteria provided. Collection method: clinical testing. Allele origin: unknown. Not counted in ClinVar's aggregate classification.

Literature cited by the submitters: PubMed 24573678 (cited by 10 submitters); PubMed 27107905 (cited by 5 submitters); PubMed 23613520 (cited by 9 submitters); PubMed 31558676 (cited by 8 submitters); PubMed 31586946 (cited by 6 submitters); PubMed 19763819 (cited by Ambry Genetics); PubMed 20168331 (cited by Ambry Genetics); PubMed 22692731 (cited by Ambry Genetics); PubMed 26556299 (cited by 5 submitters); PubMed 26921362 (cited by 4 submitters); PubMed 27193682 (cited by Ambry Genetics and Department of Pathology and Laboratory Medicine, Sinai Health System); PubMed 27427815 (cited by 7 submitters); PubMed 31214711 (cited by 3 submitters); PubMed 32980694 (cited by Color Diagnostics, LLC DBA Color Health); PubMed 33471991 (cited by 3 submitters).